The following is an entry in ClinVar:

NM_024408.4(NOTCH2):c.6854A>G (p.Gln2285Arg)

Gene: NOTCH2 (notch receptor 2; minus strand). Cytogenetic location: 1p12.
Variant type: single nucleotide variant.
Coding change: c.6854A>G on transcript NM_024408.4 (MANE Select); coding-DNA position 6854, A replaced by G.
Protein change: p.Gln2285Arg; replaces glutamine 2285 with arginine.
Molecular consequence: missense variant.
Genome position (GRCh38, 1-based): chr1:119,915,868, T>C on the plus strand (A>G on the coding strand, the complement: NOTCH2 is on the minus strand). VCF-style: chr1-119915868-T-C. GRCh37 (hg19) VCF-style: chr1-120458491-T-C.
Other names: short protein forms Q2285R.
Identifiers: ClinVar variation 3880515 (VCV003880515.2).

ClinVar aggregate classification (germline): Uncertain significance. Review status: criteria provided, multiple submitters, no conflicts (2 of 4 stars). 2 submissions from 2 submitters: Uncertain significance (2). Last evaluated 2026-08-11.

Conditions:
NOTCH2-related disorder. Also called: NOTCH2-related condition.
Inborn genetic diseases. Identifiers: MedGen C0950123, MeSH D030342.

gnomAD v4.1: 11 of 1,614,162 alleles (0.00068%); highest among the groups gnomAD compares: Non-Finnish European, 0.00093%; no homozygotes.

Submissions (2):

PreventionGenetics, part of Exact Sciences
Classification: Uncertain significance for NOTCH2-related condition. Last evaluated: 2026-08-11. Review status: criteria provided, single submitter. Criteria: ACMG Guidelines, 2015. Collection method: clinical testing. Allele origin: germline.
Comment: The NOTCH2 c.6854A>G variant is predicted to result in the amino acid substitution p.Gln2285Arg. To our knowledge, this variant has not been reported in the literature. This variant is reported in 0.0018% of alleles in individuals of European (Non-Finnish) descent in gnomAD. At this time, the clinical significance of this variant is uncertain due to the absence of conclusive functional and genetic evidence.

Ambry Genetics
Classification: Uncertain significance for Inborn genetic diseases. Last evaluated: 2024-12-23. Review status: criteria provided, single submitter. Criteria: Ambry Variant Classification Scheme 2023. Collection method: clinical testing. Allele origin: germline.